The following is an entry in ClinVar:

ClinVar aggregate classification (germline): Uncertain significance. Review status: criteria provided, multiple submitters, no conflicts (2 of 4 stars). 2 submissions from 2 submitters: Uncertain significance (2). Last evaluated 2025-10-06.

Conditions:
Brugada syndrome. Also called: Sudden Unexplained Death Syndrome; Sudden Unexplained Nocturnal Death Syndrome (SUNDS); Sudden unexpected nocturnal death syndrome; Sudden unexplained nocturnal death syndrome. Identifiers: Orphanet 130, MedGen C1142166, MONDO:0015263.

Allele frequency attached by ClinVar (database versions not stated): ExAC 0.00007; gnomAD exomes 0.00009; gnomAD 0.00013 and 0.00015; TOPMed 0.00034; ESP Exome Variant Server 0.00038.
gnomAD v4.1: 161 of 1,605,464 alleles (0.01%); highest among the groups gnomAD compares: Admixed American, 0.035%; no homozygotes.

Submissions (2):

Labcorp Genetics (formerly Invitae), Labcorp
Classification: Uncertain significance for Brugada syndrome. Last evaluated: 2025-10-06. Review status: criteria provided, single submitter. Criteria: Invitae Variant Classification Sherloc (09022015). Collection method: clinical testing. Allele origin: germline.
Comment: This sequence change replaces glutamine, which is neutral and polar, with arginine, which is basic and polar, at codon 534 of the SLMAP protein (p.Gln534Arg). This variant is present in population databases (rs141727742, gnomAD 0.01%). This variant has not been reported in the literature in individuals affected with SLMAP-related conditions. ClinVar contains an entry for this variant (Variation ID: 845933). An algorithm developed to predict the effect of missense changes on protein structure and function (PolyPhen-2) suggests that this variant is likely to be disruptive. In summary, the available evidence is currently insufficient to determine the role of this variant in disease. Therefore, it has been classified as a Variant of Uncertain Significance.

Breakthrough Genomics
Classification: Uncertain significance. Review status: criteria provided, single submitter. Criteria: ACMG Guidelines, 2015. Collection method: not provided. Allele origin: germline. Inheritance: Unknown mechanism. Affected: yes.

NM_001377540.1(SLMAP):c.1703A>G (p.Gln568Arg)

Gene: SLMAP (sarcolemma associated protein; plus strand). Cytogenetic location: 3p14.3.
Variant type: single nucleotide variant.
Coding change: c.1703A>G on transcript NM_001377540.1 (MANE Select); coding-DNA position 1703, A replaced by G.
Protein change: p.Gln568Arg; replaces glutamine 568 with arginine.
Molecular consequence: missense variant. On other transcripts: non-coding transcript variant (1).
Genome position (GRCh38, 1-based): chr3:57,912,384, A>G. VCF-style: chr3-57912384-A-G. GRCh37 (hg19) VCF-style: chr3-57898111-A-G.
Other names: c.1652A>G, p.Gln551Arg (NM_001304420.3, NM_001377541.1, NM_001377542.1); c.1538A>G, p.Gln513Arg (NM_001304421.2, NM_001377557.1, NM_001377559.1); c.254A>G, p.Gln85Arg (NM_001304422.3, NM_001311178.2); c.56A>G, p.Gln19Arg (NM_001304423.3); c.131A>G, p.Gln44Arg (NM_001311179.2, NM_001377926.1, NM_001377927.1 and 1 more transcripts); c.1724A>G, p.Gln575Arg (NM_001377538.1); c.1703A>G, p.Gln568Arg (NM_001377539.1); c.1640A>G, p.Gln547Arg (NM_001377545.1); and 8 more; short protein forms Q19R, Q510R, Q472R, Q506R, Q530R, Q534R, Q547R, Q575R.
Identifiers: ClinVar variation 845933 (VCV000845933.7), dbSNP rs141727742, ClinGen allele CA2467225.